The following is an entry in ClinVar:

NM_001365951.3(KIF1B):c.5080GAA[1] (p.Glu1695del)

Gene: KIF1B (kinesin family member 1B; plus strand). Cytogenetic location: 1p36.22.
Variant type: Microsatellite.
Coding change: c.5080GAA[1] on transcript NM_001365951.3 (MANE Select); one copy of the 3-base unit GAA starting at c.5080; the reference has two copies in a row; one copy, 3 bases deleted.
Protein change: p.Glu1695del; deletes glutamic acid 1695.
Molecular consequence: inframe deletion.
Genome position (GRCh38, 1-based): chr1:10,374,452-10,374,454, GAA deleted; deleting any 3 consecutive bases within chr1:10,374,449-10,374,454 gives the same sequence; the position shown is the placement nearest the transcript's 3' end. VCF-style (leftmost placement, unchanged base first): chr1-10374448-TGAA-T. GRCh37 (hg19) VCF-style: chr1-10434506-TGAA-T.
Other names: c.5080GAA[1], p.Glu1695del (NM_001365952.1); c.4942GAA[1], p.Glu1649del (NM_015074.3); c.4945_4947delGAA (NM_015074.3); short protein forms E1649del, E1695del.
Identifiers: ClinVar variation 3226528 (VCV003226528.1), dbSNP rs2521978479, ClinGen allele CA2825000842.

ClinVar aggregate classification (germline): Uncertain significance (1 of 4 stars; one submission).

Submission:

Ambry Genetics
Classification: Uncertain significance. Last evaluated: 2024-03-05. Review status: criteria provided, single submitter. Criteria: Ambry Variant Classification Scheme 2023. Collection method: clinical testing. Allele origin: germline.
Comment: The c.4945_4947delGAA variant (also known as p.E1649del) is located in coding exon 43 of the KIF1B gene. This variant results from an in-frame GAA deletion at nucleotide positions 4945 to 4947. This results in the in-frame deletion of a glutamic acid at codon 1649. This amino acid position is highly conserved in available vertebrate species. In addition, this alteration is predicted to be deleterious by in silico analysis (Choi Y et al. PLoS ONE. 2012; 7(10):e46688). The evidence for this gene-disease relationship is limited; therefore, the clinical significance of this alteration is unclear.